The following is an entry in ClinVar:

NM_017636.4(TRPM4):c.3377C>G (p.Ser1126Trp)

Gene: TRPM4 (transient receptor potential cation channel subfamily M member 4; plus strand). Cytogenetic location: 19q13.33.
Variant type: single nucleotide variant.
Coding change: c.3377C>G on transcript NM_017636.4 (MANE Select); coding-DNA position 3377, C replaced by G.
Protein change: p.Ser1126Trp; replaces serine 1126 with tryptophan.
Molecular consequence: missense variant.
Genome position (GRCh38, 1-based): chr19:49,210,758, C>G. VCF-style: chr19-49210758-C-G. GRCh37 (hg19) VCF-style: chr19-49714015-C-G.
Other names: c.2942C>G, p.Ser981Trp (NM_001195227.2); c.3032C>G, p.Ser1011Trp (NM_001321281.2); c.1769C>G, p.Ser590Trp (NM_001321282.2); c.2855C>G, p.Ser952Trp (NM_001321283.2); c.2315C>G, p.Ser772Trp (NM_001321285.2); short protein forms S772W, S1011W, S590W, S1126W, S952W, S981W.
Identifiers: ClinVar variation 697632 (VCV000697632.21), dbSNP rs567938424, ClinGen allele CA9569884.

ClinVar aggregate classification (germline): Conflicting classifications of pathogenicity. Review status: criteria provided, conflicting classifications (1 of 4 stars). 4 submissions from 4 submitters: Uncertain significance (2); Benign (1); Likely benign (1). Last evaluated 2025-12-19.

Conditions:
Progressive familial heart block type IB (PFHB1B). Identifiers: Orphanet 871, MedGen C1970298, MONDO:0011474, OMIM 604559.
Cardiovascular phenotype. Identifiers: MedGen CN230736.

Allele frequency attached by ClinVar (database versions not stated): gnomAD 0.00002 and 0.00003; TOPMed 0.00003; 1000 Genomes Project 30x 0.00016; 1000 Genomes Project 0.00020; gnomAD exomes 0.00033; ExAC 0.00040.
gnomAD v4.1: 241 of 1,614,146 alleles (0.015%); highest among the groups gnomAD compares: South Asian, 0.24%; 3 homozygotes.

Submissions (4):

Labcorp Genetics (formerly Invitae), Labcorp
Classification: Likely benign for Progressive familial heart block type IB. Last evaluated: 2025-12-19. Review status: criteria provided, single submitter. Criteria: Invitae Variant Classification Sherloc (09022015). Collection method: clinical testing. Allele origin: germline.

GeneDx
Classification: Uncertain significance. Last evaluated: 2024-02-16. Review status: criteria provided, single submitter. Criteria: GeneDx Variant Classification Process June 2021. Collection method: clinical testing. Allele origin: germline. Affected: yes.
Comment: Has not been previously published as pathogenic or benign to our knowledge; In silico analysis supports that this missense variant has a deleterious effect on protein structure/function

Ambry Genetics
Classification: Benign for Cardiovascular phenotype. Last evaluated: 2024-01-12. Review status: criteria provided, single submitter. Criteria: Ambry Variant Classification Scheme 2023. Collection method: clinical testing. Allele origin: germline.

Illumina Laboratory Services, Illumina
Classification: Uncertain significance for Progressive familial heart block type IB. Last evaluated: 2018-01-13. Review status: criteria provided, single submitter. Criteria: ICSL Variant Classification Criteria 13 December 2019. Collection method: clinical testing. Allele origin: germline.